The following is an entry in ClinVar:

ClinVar aggregate classification (germline): Uncertain significance (1 of 4 stars; one submission).

Conditions:
Hereditary cancer-predisposing syndrome. Also called: Hereditary Cancer Syndrome; Neoplastic Syndromes, Hereditary; Tumor predisposition; Hereditary neoplastic syndrome. Identifiers: Orphanet 140162, MedGen C0027672, MeSH D009386, MONDO:0015356.

Submission:

Ambry Genetics
Classification: Uncertain significance for Hereditary cancer-predisposing syndrome. Last evaluated: 2026-08-30. Review status: criteria provided, single submitter. Criteria: Ambry Variant Classification Scheme 2023. Collection method: clinical testing. Allele origin: germline.
Comment: The p.F1007L variant (also known as c.3019T>C), located in coding exon 18 of the ALK gene, results from a T to C substitution at nucleotide position 3019. The phenylalanine at codon 1007 is replaced by leucine, an amino acid with highly similar properties. This amino acid position is conserved. In addition, this alteration is predicted to be tolerated by in silico analysis. Based on the available evidence, the clinical significance of this variant remains unclear.

NM_004304.5(ALK):c.3019T>C (p.Phe1007Leu)

Gene: ALK (ALK receptor tyrosine kinase; minus strand). Cytogenetic location: 2p23.2.
Variant type: single nucleotide variant.
Coding change: c.3019T>C on transcript NM_004304.5 (MANE Select); coding-DNA position 3019, T replaced by C.
Protein change: p.Phe1007Leu; replaces phenylalanine 1007 with leucine.
Molecular consequence: missense variant.
Genome position (GRCh38, 1-based): chr2:29,226,970, A>G on the plus strand (T>C on the coding strand, the complement: ALK is on the minus strand). VCF-style: chr2-29226970-A-G. GRCh37 (hg19) VCF-style: chr2-29449836-A-G.
Other names: short protein forms F1007L.
Identifiers: ClinVar variation 5035646 (VCV005035646.1).